The following is an entry in ClinVar:

NM_005359.6(SMAD4):c.1264C>T (p.Pro422Ser)

Gene: SMAD4 (SMAD family member 4; plus strand). Cytogenetic location: 18q21.2.
Variant type: single nucleotide variant.
Coding change: c.1264C>T on transcript NM_005359.6 (MANE Select); coding-DNA position 1264, C replaced by T.
Protein change: p.Pro422Ser; replaces proline 422 with serine.
Molecular consequence: missense variant. On other transcripts: non-coding transcript variant (1).
Genome position (GRCh38, 1-based): chr18:51,067,143, C>T. VCF-style: chr18-51067143-C-T. GRCh37 (hg19) VCF-style: chr18-48593513-C-T.
Other names: c.1264C>T, p.Pro422Ser (NM_001407041.1, NM_001407042.1); short protein forms P422S.
Identifiers: ClinVar variation 2817483 (VCV002817483.3), dbSNP rs2144452672, ClinGen allele CA402464986.

ClinVar aggregate classification (germline): Uncertain significance (1 of 4 stars; one submission).

Conditions:
Juvenile polyposis syndrome (JPS). Identifiers: Orphanet 2929, MedGen C0345893, MONDO:0017380, OMIM 174900.

Submission:

Labcorp Genetics (formerly Invitae), Labcorp
Classification: Uncertain significance for Juvenile polyposis syndrome. Last evaluated: 2022-11-29. Review status: criteria provided, single submitter. Criteria: Invitae Variant Classification Sherloc (09022015). Collection method: clinical testing. Allele origin: germline.
Comment: In summary, the available evidence is currently insufficient to determine the role of this variant in disease. Therefore, it has been classified as a Variant of Uncertain Significance. Advanced modeling of protein sequence and biophysical properties (such as structural, functional, and spatial information, amino acid conservation, physicochemical variation, residue mobility, and thermodynamic stability) has been performed at Invitae for this missense variant, however the output from this modeling did not meet the statistical confidence thresholds required to predict the impact of this variant on SMAD4 protein function. This variant has not been reported in the literature in individuals affected with SMAD4-related conditions. This variant is not present in population databases (gnomAD no frequency). This sequence change replaces proline, which is neutral and non-polar, with serine, which is neutral and polar, at codon 422 of the SMAD4 protein (p.Pro422Ser).